The following is an entry in ClinVar:

ClinVar aggregate classification (germline): Uncertain significance (1 of 4 stars; one submission).

Conditions:
Hypertrophic cardiomyopathy 10. Also called: CARDIOMYOPATHY, HYPERTROPHIC, MID-LEFT VENTRICULAR CHAMBER TYPE, 2; MYL2-Related Familial Hypertrophic Cardiomyopathy. Identifiers: MedGen C1834460, MONDO:0012112, OMIM 608758.

Submission:

Labcorp Genetics (formerly Invitae), Labcorp
Classification: Uncertain significance for Hypertrophic cardiomyopathy 10. Last evaluated: 2020-03-06. Review status: criteria provided, single submitter. Criteria: Invitae Variant Classification Sherloc (09022015). Collection method: clinical testing. Allele origin: germline.
Comment: In summary, the available evidence is currently insufficient to determine the role of this variant in disease. Therefore, it has been classified as a Variant of Uncertain Significance. Experimental studies and prediction algorithms are not available or were not evaluated, and the functional significance of this variant is currently unknown. This variant has not been reported in the literature in individuals with MYL2-related conditions. This variant is not present in population databases (ExAC no frequency). This sequence change disrupts the translational stop signal of the MYL2 mRNA. It is expected to extend the length of the MYL2 protein, but the length of the extension is unknown as no new stop signal is encountered.

NM_000432.4(MYL2):c.499T>G (p.Ter167Glu)

Gene: MYL2 (myosin light chain 2; minus strand). Cytogenetic location: 12q24.11.
Variant type: single nucleotide variant.
Coding change: c.499T>G on transcript NM_000432.4 (MANE Select); coding-DNA position 499, T replaced by G.
Protein change: p.Ter167Glu.
Molecular consequence: stop lost.
Genome position (GRCh38, 1-based): chr12:110,911,079, A>C on the plus strand (T>G on the coding strand, the complement: MYL2 is on the minus strand). VCF-style: chr12-110911079-A-C. GRCh37 (hg19) VCF-style: chr12-111348883-A-C.
Identifiers: ClinVar variation 1021584 (VCV001021584.7), dbSNP rs2071647433, ClinGen allele CA386696682.